The following is an entry in ClinVar:

NM_000158.4(GBE1):c.1108+3A>G

Gene: GBE1 (1,4-alpha-glucan branching enzyme 1; minus strand). Cytogenetic location: 3p12.2.
Variant type: single nucleotide variant.
Coding change: c.1108+3A>G on transcript NM_000158.4 (MANE Select); 3 bases into the intron after coding-DNA position 1108, A replaced by G.
Molecular consequence: intron variant.
Genome position (GRCh38, 1-based): chr3:81,593,905, T>C on the plus strand (A>G on the coding strand, the complement: GBE1 is on the minus strand). VCF-style: chr3-81593905-T-C. GRCh37 (hg19) VCF-style: chr3-81643056-T-C.
Identifiers: ClinVar variation 3730922 (VCV003730922.2).
Genomic context (GRCh38, chr3:81,593,905, plus strand): 5'-ACCAGTAATGGCTATTGCAGCTTCTGCAATTAACCCCAAACCTGATTATATCAGGTTACC[T>C]ACCCACTCCATGGTGATGATAAAGCATGGACGTAACACCATCAAAACGAAATCCATCAAA-3'

ClinVar aggregate classification (germline): Uncertain significance (1 of 4 stars; one submission).

gnomAD v4.1: 2 of 1,481,406 alleles (0.00014%); highest among the groups gnomAD compares: Admixed American, 0.002%; no homozygotes.

Submission:

GeneDx
Classification: Uncertain significance. Last evaluated: 2026-07-27. Review status: criteria provided, single submitter. Criteria: GeneDx Variant Classification Process June 2021. Collection method: clinical testing. Allele origin: germline.
Comment: Has not been previously published as pathogenic or benign to our knowledge; Not observed at significant frequency in large population cohorts (gnomAD); In silico analysis suggests that this variant does not alter splicing